The following is an entry in ClinVar:

ClinVar aggregate classification (germline): Uncertain significance (1 of 4 stars; one submission).

Allele frequency attached by ClinVar (database versions not stated): TOPMed below 0.00001.

Submission:

Labcorp Genetics (formerly Invitae), Labcorp
Classification: Uncertain significance. Last evaluated: 2022-06-14. Review status: criteria provided, single submitter. Criteria: Invitae Variant Classification Sherloc (09022015). Collection method: clinical testing. Allele origin: germline.
Comment: In summary, the available evidence is currently insufficient to determine the role of this variant in disease. Therefore, it has been classified as a Variant of Uncertain Significance. Algorithms developed to predict the effect of missense changes on protein structure and function (SIFT, PolyPhen-2, Align-GVGD) all suggest that this variant is likely to be tolerated. This variant has not been reported in the literature in individuals affected with SAMD11-related conditions. This variant is not present in population databases (gnomAD no frequency). This sequence change replaces glutamic acid, which is acidic and polar, with aspartic acid, which is acidic and polar, at codon 189 of the SAMD11 protein (p.Glu189Asp).

NM_001385641.1(SAMD11):c.1104G>C (p.Glu368Asp)

Gene: SAMD11 (sterile alpha motif domain containing 11; plus strand). Cytogenetic location: 1p36.33.
Variant type: single nucleotide variant.
Coding change: c.1104G>C on transcript NM_001385641.1 (MANE Select); coding-DNA position 1104, G replaced by C.
Protein change: p.Glu368Asp; replaces glutamic acid 368 with aspartic acid.
Molecular consequence: missense variant.
Genome position (GRCh38, 1-based): chr1:939,321, G>C. VCF-style: chr1-939321-G-C. GRCh37 (hg19) VCF-style: chr1-874701-G-C.
Other names: c.1107G>C, p.Glu369Asp (NM_001385640.1); c.567G>C, p.Glu189Asp (NM_152486.4); short protein forms E369D, E189D, E368D.
Identifiers: ClinVar variation 2006508 (VCV002006508.3), dbSNP rs1356462367, ClinGen allele CA337800377.